The following is an entry in ClinVar:

ClinVar aggregate classification (germline): Pathogenic/Likely pathogenic. Review status: criteria provided, multiple submitters, no conflicts (2 of 4 stars). 2 submissions from 2 submitters: Pathogenic (1); Likely pathogenic (1). Last evaluated 2026-04-11.

Conditions:
Long chain 3-hydroxyacyl-CoA dehydrogenase deficiency. Also called: LCHAD Deficiency; Deficiency of long-chain 3-hydroxyacyl-coenzyme A dehydrogenase. Identifiers: Orphanet 5, MedGen C3711645, MONDO:0012173, OMIM 609016.

Submissions (2):

Myriad Genetics, Inc.
Classification: Pathogenic for Long chain 3-hydroxyacyl-CoA dehydrogenase deficiency. Last evaluated: 2026-04-11. Review status: criteria provided, single submitter. Criteria: Myriad Autosomal Dominant, Autosomal Recessive and X-Linked Classification Criteria (2023). Collection method: clinical testing. Allele origin: unknown.
Comment: NM_000182.4(HADHA):c.1498_1499delTT(F500Lfs*40) is expected to be pathogenic in the context of HADHA-related disorders. This variant is predicted to lead to an abnormal or absent protein product due to the creation of a premature termination codon in HADHA, a gene where loss-of-function variants are known to be pathogenic. Please note: this variant was assessed in the context of healthy population screening.

Natera, Inc.
Classification: Likely pathogenic for Deficiency of long-chain 3-hydroxyacyl-coenzyme A dehydrogenase. Last evaluated: 2024-03-06. Review status: criteria provided, single submitter. Criteria: Natera Variant Classification Schema (03/2026). Collection method: clinical testing. Allele origin: germline.
Comment: The c.1498_1499delTT variant in HADHA is a frameshift variant predicted to shift the reading frame beginning at codon 500 and leads to a stop codon 40 codons downstream. This variant is expected to result in nonsense mediated decay, truncation, or a dysfunctional protein product. This variant is rare in the general population with a frequency below the threshold expected for the associated phenotype(s). Given the available evidence, this variant is classified as Likely Pathogenic.

NM_000182.5(HADHA):c.1498_1499del (p.Phe500fs)

Genes: GAREM2 (GRB2 associated regulator of MAPK1 subtype 2; plus strand), HADHA (hydroxyacyl-CoA dehydrogenase trifunctional multienzyme complex subunit alpha; minus strand). Cytogenetic location: 2p23.3.
Variant type: Deletion.
Coding change: c.1498_1499del on transcript NM_000182.5 (MANE Select); coding-DNA positions 1498 to 1499, 2 bases deleted (TT; older notation c.1498_1499delTT).
Protein change: p.Phe500fs; shifts the reading frame from phenylalanine 500.
Molecular consequence: frameshift variant.
Genome position (GRCh38, 1-based): chr2:26,195,213-26,195,214, AA deleted on the plus strand (TT on the coding strand, the reverse complement: HADHA is on the minus strand). VCF-style (leftmost placement, unchanged base first): chr2-26195212-GAA-G. GRCh37 (hg19) VCF-style: chr2-26418081-GAA-G.
Other names: short protein forms F500fs.
Identifiers: ClinVar variation 4817868 (VCV004817868.2).